The following is an entry in ClinVar:

NM_057176.3(BSND):c.470G>A (p.Trp157Ter)

Gene: BSND (barttin CLCNK type accessory subunit beta; plus strand). Cytogenetic location: 1p32.3.
Variant type: single nucleotide variant.
Coding change: c.470G>A on transcript NM_057176.3 (MANE Select); coding-DNA position 470, G replaced by A.
Protein change: p.Trp157Ter; replaces tryptophan 157 with a stop codon.
Molecular consequence: nonsense.
Genome position (GRCh38, 1-based): chr1:55,007,194, G>A. VCF-style: chr1-55007194-G-A. GRCh37 (hg19) VCF-style: chr1-55472867-G-A.
Other names: short protein forms W157*.
Identifiers: ClinVar variation 858780 (VCV000858780.8), dbSNP rs1644395880, ClinGen allele CA340475725.

ClinVar aggregate classification (germline): Pathogenic (1 of 4 stars; one submission).

Submission:

Labcorp Genetics (formerly Invitae), Labcorp
Classification: Pathogenic. Last evaluated: 2024-01-18. Review status: criteria provided, single submitter. Criteria: Invitae Variant Classification Sherloc (09022015). Collection method: clinical testing. Allele origin: germline.
Comment: This sequence change creates a premature translational stop signal (p.Trp157*) in the BSND gene. It is expected to result in an absent or disrupted protein product. Loss-of-function variants in BSND are known to be pathogenic (PMID: 11687798). This variant is not present in population databases (gnomAD no frequency). This variant has not been reported in the literature in individuals affected with BSND-related conditions. ClinVar contains an entry for this variant (Variation ID: 858780). For these reasons, this variant has been classified as Pathogenic.

Literature cited by the submitters: PubMed 11687798.